The following is an entry in ClinVar:

ClinVar aggregate classification (germline): Uncertain significance. Review status: criteria provided, multiple submitters, no conflicts (2 of 4 stars). 4 submissions from 4 submitters: Uncertain significance (4). Last evaluated 2025-01-16.

Conditions:
Emery-Dreifuss muscular dystrophy 4, autosomal dominant (EDMD4). Also called: EMERY-DREIFUSS MUSCULAR DYSTROPHY 4 WITH VARIABLE FEATURES. Identifiers: Orphanet 261, MedGen C2751807, MONDO:0013071, OMIM 612998.
Autosomal recessive ataxia, Beauce type. Also called: Spinocerebellar ataxia, autosomal recessive 8; ATAXIA, RECESSIVE, OF BEAUCE; SYNE1 Deficiency; SYNE1-Related Autosomal Recessive Cerebellar Ataxia. Identifiers: Orphanet 88644, MedGen C1853116, MONDO:0012549, OMIM 610743.
Inborn genetic diseases. Identifiers: MedGen C0950123, MeSH D030342.

Allele frequency attached by ClinVar (database versions not stated): gnomAD 0.00001; gnomAD exomes 0.00001; ExAC 0.00002.
gnomAD v4.1: 7 of 1,614,056 alleles (0.00043%); highest among the groups gnomAD compares: African/African-American, 0.0013%; no homozygotes.

Submissions (4):

Athena Diagnostics
Classification: Uncertain significance. Last evaluated: 2025-01-16. Review status: criteria provided, single submitter. Criteria: Athena Diagnostics Criteria. Collection method: clinical testing. Allele origin: unknown.
Comment: Available data are insufficient to determine the clinical significance of the variant at this time. The frequency of this variant in the general population is uninformative in assessment of its pathogenicity. Polyphen and MutationTaster predict this amino acid change may be benign.

Labcorp Genetics (formerly Invitae), Labcorp
Classification: Uncertain significance for Emery-Dreifuss muscular dystrophy 4, autosomal dominant; Autosomal recessive ataxia, Beauce type. Last evaluated: 2021-08-04. Review status: criteria provided, single submitter. Criteria: Invitae Variant Classification Sherloc (09022015). Collection method: clinical testing. Allele origin: germline.
Comment: In summary, the available evidence is currently insufficient to determine the role of this variant in disease. Therefore, it has been classified as a Variant of Uncertain Significance. Algorithms developed to predict the effect of missense changes on protein structure and function (SIFT, PolyPhen-2, Align-GVGD) all suggest that this variant is likely to be tolerated. This variant has not been reported in the literature in individuals affected with SYNE1-related conditions. This variant is present in population databases (rs200766001, ExAC 0.005%). This sequence change replaces glutamine with arginine at codon 1710 of the SYNE1 protein (p.Gln1710Arg). The glutamine residue is moderately conserved and there is a small physicochemical difference between glutamine and arginine.

Ambry Genetics
Classification: Uncertain significance for Inborn genetic diseases. Last evaluated: 2021-06-18. Review status: criteria provided, single submitter. Criteria: Ambry Variant Classification Scheme 2023. Collection method: clinical testing. Allele origin: germline.

Revvity Omics, Revvity
Classification: Uncertain significance. Last evaluated: 2019-06-17. Review status: criteria provided, single submitter. Criteria: ACMG Guidelines, 2015. Collection method: clinical testing. Allele origin: germline.

NM_182961.4(SYNE1):c.5108A>G (p.Gln1703Arg)

Gene: SYNE1 (spectrin repeat containing nuclear envelope protein 1; minus strand). Cytogenetic location: 6q25.2.
Variant type: single nucleotide variant.
Coding change: c.5108A>G on transcript NM_182961.4 (MANE Select); coding-DNA position 5108, A replaced by G.
Protein change: p.Gln1703Arg; replaces glutamine 1703 with arginine.
Molecular consequence: missense variant.
Genome position (GRCh38, 1-based): chr6:152,425,540, T>C on the plus strand (A>G on the coding strand, the complement: SYNE1 is on the minus strand). VCF-style: chr6-152425540-T-C. GRCh37 (hg19) VCF-style: chr6-152746675-T-C.
Other names: c.5129A>G (NM_033071.3); c.5108A>G (NM_182961.2); c.5129A>G, p.Gln1710Arg (NM_033071.5); short protein forms Q1703R, Q1710R.
Identifiers: ClinVar variation 1422852 (VCV001422852.10), dbSNP rs200766001, ClinGen allele CA4058354.
Genomic context (GRCh38, chr6:152,425,540, plus strand): 5'-AATGATTCCTTCAATTGCAAAAGTTTGCTATAGAATGAGGCCTGGGATACAACTTCATTT[T>C]GCAGTGCCTGAAAAATACAAGACATTACGGATCTCATCCTAACAGGACTGAAAAGTAAGG-3'
Protein context (NP_892006.3, residues 1693-1713): EGELQLIQAL[Gln1703Arg]NEVVSQASFY